The following is an entry in ClinVar:

ClinVar aggregate classification (germline): Uncertain significance. Review status: criteria provided, multiple submitters, no conflicts (2 of 4 stars). 2 submissions from 2 submitters: Uncertain significance (2). Last evaluated 2025-11-25.

Conditions:
Hereditary cancer-predisposing syndrome. Also called: Tumor predisposition; Neoplastic Syndromes, Hereditary; Hereditary Cancer Syndrome; Hereditary neoplastic syndrome. Identifiers: Orphanet 140162, MedGen C0027672, MeSH D009386, MONDO:0015356.
Familial adenomatous polyposis 1 (FAP1). Also called: POLYPOSIS, ADENOMATOUS INTESTINAL; FAMILIAL ADENOMATOUS POLYPOSIS 1, ATTENUATED. Identifiers: MedGen C2713442, MONDO:0021056, OMIM 175100. Disease mechanism: loss of function.

Submissions (2):

Labcorp Genetics (formerly Invitae), Labcorp
Classification: Uncertain significance for Familial adenomatous polyposis 1. Last evaluated: 2025-11-25. Review status: criteria provided, single submitter. Criteria: Invitae Variant Classification Sherloc (09022015). Collection method: clinical testing. Allele origin: germline.
Comment: This sequence change replaces serine, which is neutral and polar, with threonine, which is neutral and polar, at codon 63 of the APC protein (p.Ser63Thr). This variant is present in population databases (rs776469589, gnomAD 0.0009%). This variant has not been reported in the literature in individuals affected with APC-related conditions. ClinVar contains an entry for this variant (Variation ID: 3880020). Invitae Evidence Modeling of protein sequence and biophysical properties (such as structural, functional, and spatial information, amino acid conservation, physicochemical variation, residue mobility, and thermodynamic stability) indicates that this missense variant is not expected to disrupt APC protein function with a negative predictive value of 95%. In summary, the available evidence is currently insufficient to determine the role of this variant in disease. Therefore, it has been classified as a Variant of Uncertain Significance.

Ambry Genetics
Classification: Uncertain significance for Hereditary cancer-predisposing syndrome. Last evaluated: 2025-03-05. Review status: criteria provided, single submitter. Criteria: Ambry Variant Classification Scheme 2023. Collection method: clinical testing. Allele origin: germline.
Comment: The p.S63T variant (also known as c.187T>A), located in coding exon 2 of the APC gene, results from a T to A substitution at nucleotide position 187. The serine at codon 63 is replaced by threonine, an amino acid with similar properties. This amino acid position is well conserved in available vertebrate species. In addition, in silico predictors for this gene do not accurately predict pathogenicity. Missense alterations in APC are not a common cause of disease (Spier I et al. Genet Med. 2024 Feb;26(2):100992). Based on the available evidence, the clinical significance of this variant remains unclear.

NM_000038.6(APC):c.187T>A (p.Ser63Thr)

Gene: APC (APC regulator of Wnt signaling pathway; plus strand). Cytogenetic location: 5q22.2.
Variant type: single nucleotide variant.
Coding change: c.187T>A on transcript NM_000038.6 (MANE Select); coding-DNA position 187, T replaced by A.
Protein change: p.Ser63Thr; replaces serine 63 with threonine.
Molecular consequence: missense variant. On other transcripts: 5 prime UTR variant (4), non-coding transcript variant (2).
Genome position (GRCh38, 1-based): chr5:112,766,377, T>A. VCF-style: chr5-112766377-T-A. GRCh37 (hg19) VCF-style: chr5-112102074-T-A.
Other names: c.187T>A, p.Ser63Thr (NM_001127510.3, NM_001354895.2, NM_001354896.2 and 16 more transcripts); c.217T>A, p.Ser73Thr (NM_001127511.3, NM_001354897.2, NM_001354902.2 and 1 more transcripts); c.112T>A, p.Ser38Thr (NM_001354898.2, NM_001354904.2, NM_001407451.1); c.10T>A, p.Ser4Thr (NM_001354900.2, NM_001354901.2, NM_001354905.2 and 1 more transcripts); c.-849T>A (NM_001354906.2, NM_001407470.1, NM_001407471.1 and 1 more transcripts); short protein forms S4T, S73T, S38T, S63T.
Identifiers: ClinVar variation 3880020 (VCV003880020.2).
Genomic context (GRCh38, chr5:112,766,377, plus strand): 5'-TTTTAACAGGAAGTACTTAAACAACTACAAGGAAGTATTGAAGATGAAGCTATGGCTTCT[T>A]CTGGACAGATTGATTTATTAGAGCGTCTTAAAGGTAGATTTTAAAAAGGTGTTTTAAAAT-3'
Protein context (NP_000029.2, residues 53-73): GSIEDEAMAS[Ser63Thr]GQIDLLERLK